The following is an entry in ClinVar:

ClinVar aggregate classification (germline): Pathogenic/Likely pathogenic. Review status: criteria provided, multiple submitters, no conflicts (2 of 4 stars). 9 submissions from 9 submitters: Pathogenic (6); Likely pathogenic (2). 1 of the submissions does not count toward it. Last evaluated 2026-01-03.

Conditions:
MVK-related disorder. Also called: MVK-related disorders; MVK-related condition. Identifiers: MedGen CN239294.
Autoinflammatory syndrome. Identifiers: Orphanet 93665, MedGen C3890737, MONDO:0019751.
Hyperimmunoglobulin D with periodic fever (HIDS). Also called: HYPERIMMUNOGLOBULINEMIA D AND PERIODIC FEVER SYNDROME; Hyperimmunoglobulinemia D with periodic fever; Hyperimmunoglobulinemia D. Identifiers: Orphanet 343, MedGen C0398691, MONDO:0009849, OMIM 260920.
Mevalonic aciduria (MEVA). Identifiers: Orphanet 29, MedGen C1959626, MONDO:0012481, OMIM 610377.
Porokeratosis 3, disseminated superficial actinic type (POROK3). Also called: POROKERATOSIS, DISSEMINATED SUPERFICIAL ACTINIC, 1; POROKERATOSIS 3, MULTIPLE TYPES; POROKERATOSIS 3, MIBELLI TYPE. Identifiers: MedGen C1867981, MONDO:0008293, OMIM 175900.

Allele frequency attached by ClinVar (database versions not stated): gnomAD 0.00001; gnomAD exomes 0.00002 and 0.00003; TOPMed 0.00003; ExAC 0.00005.

Submissions (9):

Labcorp Genetics (formerly Invitae), Labcorp
Classification: Pathogenic for Mevalonic aciduria; Hyperimmunoglobulin D with periodic fever; Porokeratosis 3, disseminated superficial actinic type. Last evaluated: 2026-01-03. Review status: criteria provided, single submitter. Criteria: Invitae Variant Classification Sherloc (09022015). Collection method: clinical testing. Allele origin: germline.
Comment: This sequence change replaces asparagine, which is neutral and polar, with aspartic acid, which is acidic and polar, at codon 205 of the MVK protein (p.Asn205Asp). This variant is present in population databases (rs104895364, gnomAD 0.02%). This missense change has been observed in individual(s) with autosomal recessive mevalonate kinase deficiency (PMID: 16835861, 25677409, 26986117, 29047407, 32822427). ClinVar contains an entry for this variant (Variation ID: 97603). Invitae Evidence Modeling of protein sequence and biophysical properties (such as structural, functional, and spatial information, amino acid conservation, physicochemical variation, residue mobility, and thermodynamic stability) indicates that this missense variant is expected to disrupt MVK protein function with a positive predictive value of 95%. For these reasons, this variant has been classified as Pathogenic.

Women's Health and Genetics/Laboratory Corporation of America, LabCorp
Classification: Pathogenic for Mevalonic aciduria. Last evaluated: 2024-08-08. Review status: criteria provided, single submitter. Criteria: LabCorp Variant Classification Summary - May 2015. Collection method: clinical testing. Allele origin: germline.
Comment: Variant summary: MVK c.613A>G (p.Asn205Asp) results in a conservative amino acid change located in the GHMP kinase N-terminal domain of the encoded protein sequence. Four of five in-silico tools predict a damaging effect of the variant on protein function. The variant allele was found at a frequency of 3.2e-05 in 251366 control chromosomes. c.613A>G has been reported in the literature in multiple individuals affected with Mevalonic aciduria in the compound heterozygous state. These data indicate that the variant is very likely to be associated with disease. To our knowledge, no experimental evidence demonstrating an impact on protein function has been reported. The following publications have been ascertained in the context of this evaluation (PMID: 32822427, 33505305, 16835861, 27387687, 29451047). ClinVar contains an entry for this variant (Variation ID: 97603). Based on the evidence outlined above, the variant was classified as pathogenic.

GeneDx
Classification: Pathogenic. Last evaluated: 2024-06-04. Review status: criteria provided, single submitter. Criteria: GeneDx Variant Classification Process June 2021. Collection method: clinical testing. Allele origin: germline. Affected: yes.
Comment: Published functional studies demonstrate a damaging effect on mevalonate kinase activity (PMID: 16835861); In silico analysis supports that this missense variant has a deleterious effect on protein structure/function; This variant is associated with the following publications: (PMID: 16835861, 29624229, 27387687, 34426522, 32822427, 32441320, 29451047, 34905135, 35158047)

Fulgent Genetics
Classification: Pathogenic for Porokeratosis 3, disseminated superficial actinic type; Hyperimmunoglobulin D with periodic fever; Mevalonic aciduria. Last evaluated: 2024-03-28. Review status: criteria provided, single submitter. Criteria: ACMG Guidelines, 2015. Collection method: clinical testing. Allele origin: germline.

Victorian Clinical Genetics Services, Murdoch Childrens Research Institute
Classification: Pathogenic for Hyperimmunoglobulin D with periodic fever. Last evaluated: 2023-07-17. Review status: criteria provided, single submitter. Criteria: ACMG Guidelines, 2015. Collection method: clinical testing. Allele origin: germline. Inheritance: Autosomal recessive inheritance. Affected: yes.
Comment: Based on the classification scheme VCGS_Germline_v1.3.4, this variant is classified as Pathogenic. Following criteria are met: 0102 - Loss of function is a known mechanism of disease in this gene and is associated with hyperimmunoglobulinemia D with periodic fever (MONDO#0009849). (I) 0106 - This gene is associated with autosomal recessive disease. (I) 0115 - Variants in this gene are known to have variable expressivity. Intra-familial variability has been reported (PMID: 32822427). In addition, This gene may be associated with a spectrum of disease, including severe perinatal presentations with hydrops (PMID: 27012807). (I) 0200 - Variant is predicted to result in a missense amino acid change from asparagine to aspartic acid. (I) 0252 - This variant is homozygous. (I) 0304 - Variant is present in gnomAD <0.01 for a recessive condition (v2: 8 heterozygote, 0 homozygotes). (SP) 0309 - An alternative amino acid change at the same position has been observed in gnomAD (v3: 1 heterozygote, 0 homozygotes). (I) 0501 - Missense variant consistently predicted to be damaging by multiple in silico tools or highly conserved with a major amino acid change. (SP) 0600 - Variant is located in the annotated GHMP kinases N terminal domain domain (DECIPHER). (I) 0801 - This variant has strong previous evidence of pathogenicity in unrelated individuals. It as been reported in multiple affected individuals with period fever and/or immunodeficiency disorder (PMIDs: 16835861, 27387687, 29047407, 29624229, 32441320, 32822427). It is also classified as likely pathogenic/pathogenic by diagnostic laboratories in ClinVar. (SP) 1209 - This variant has been shown to be both maternally and paternally inherited (biallelic). (I) Legend: (SP) - Supporting pathogenic, (I) - Information, (SB) - Supporting benign

Genetics and Genomic Medicine Centre, NeuroGen Healthcare, NeuroGen Healthcare
Classification: Likely pathogenic for Mevalonic aciduria. Last evaluated: 2022-04-28. Review status: criteria provided, single submitter. Criteria: Submitter's publication. Collection method: clinical testing. Allele origin: unknown. Affected: no.

Blueprint Genetics
Classification: Pathogenic for MVK-related disorders. Last evaluated: 2022-02-03. Review status: criteria provided, single submitter. Criteria: ACMG Guidelines, 2015. Collection method: clinical testing. Allele origin: germline. Affected: yes. Observed: 5 variant alleles.

Genome Diagnostics Laboratory, The Hospital for Sick Children
Classification: Likely pathogenic for Autoinflammatory syndrome. Last evaluated: 2021-11-25. Review status: criteria provided, single submitter. Criteria: ACMG Guidelines, 2015. Collection method: clinical testing. Allele origin: germline. Affected: yes.

Unité médicale des maladies autoinflammatoires, CHRU Montpellier
No classification provided. Condition: Hyperimmunoglobulin D with periodic fever. Review status: no classification provided. Collection method: not provided. Allele origin: unknown. Not counted in ClinVar's aggregate classification.
Comment: also involved in OMIM 25117

Literature cited by the submitters: PubMed 16835861 (cited by 3 submitters); PubMed 25677409 (cited by Labcorp Genetics (formerly Invitae), Labcorp); PubMed 26986117 (cited by Labcorp Genetics (formerly Invitae), Labcorp); PubMed 29047407 (cited by Labcorp Genetics (formerly Invitae), Labcorp and Victorian Clinical Genetics Services, Murdoch Childrens Research Institute); PubMed 32822427 (cited by 3 submitters); PubMed 29451047 (cited by Women's Health and Genetics/Laboratory Corporation of America, LabCorp); PubMed 33505305 (cited by Women's Health and Genetics/Laboratory Corporation of America, LabCorp); PubMed 27387687 (cited by Women's Health and Genetics/Laboratory Corporation of America, LabCorp and Victorian Clinical Genetics Services, Murdoch Childrens Research Institute); PubMed 27012807 (cited by Victorian Clinical Genetics Services, Murdoch Childrens Research Institute); PubMed 29624229 (cited by Victorian Clinical Genetics Services, Murdoch Childrens Research Institute); PubMed 32441320 (cited by Victorian Clinical Genetics Services, Murdoch Childrens Research Institute).

NM_000431.4(MVK):c.613A>G (p.Asn205Asp)

Gene: MVK (mevalonate kinase; plus strand). Cytogenetic location: 12q24.11.
Variant type: single nucleotide variant.
Coding change: c.613A>G on transcript NM_000431.4 (MANE Select); coding-DNA position 613, A replaced by G.
Protein change: p.Asn205Asp; replaces asparagine 205 with aspartic acid.
Molecular consequence: missense variant.
Genome position (GRCh38, 1-based): chr12:109,586,107, A>G. VCF-style: chr12-109586107-A-G. GRCh37 (hg19) VCF-style: chr12-110023912-A-G.
Other names: c.613A>G, p.Asn205Asp (NM_001114185.3); c.457A>G, p.Asn153Asp (NM_001301182.2); short protein forms N205D, N153D.
Identifiers: ClinVar variation 97603 (VCV000097603.20), dbSNP rs104895364, ClinGen allele CA149858.